The following is an entry in ClinVar:

NM_017760.7(NCAPG2):c.873C>T (p.Phe291=)

Gene: NCAPG2 (non-SMC condensin II complex subunit G2; minus strand). Cytogenetic location: 7q36.3.
Variant type: single nucleotide variant.
Coding change: c.873C>T on transcript NM_017760.7 (MANE Select); coding-DNA position 873, C replaced by T.
Protein change: p.Phe291=; no amino-acid change (phenylalanine 291 retained).
Molecular consequence: synonymous variant. On other transcripts: non-coding transcript variant (1).
Genome position (GRCh38, 1-based): chr7:158,683,351, G>A on the plus strand (C>T on the coding strand, the complement: NCAPG2 is on the minus strand). VCF-style: chr7-158683351-G-A. GRCh37 (hg19) VCF-style: chr7-158476043-G-A.
Other names: c.873C>T, p.Phe291= (NM_001281932.2, NM_001281933.2).
Identifiers: ClinVar variation 778370 (VCV000778370.7), dbSNP rs10274075, ClinGen allele CA4592992.

ClinVar aggregate classification (germline): Benign. Review status: criteria provided, multiple submitters, no conflicts (2 of 4 stars). 3 submissions from 3 submitters: Benign (2). 1 of the submissions does not count toward it. Last evaluated 2019-12-31.

Conditions:
NCAPG2-related disorder. Also called: NCAPG2-related condition.

Allele frequency attached by ClinVar (database versions not stated): gnomAD exomes 0.00313 and 0.00700; ExAC 0.00898; gnomAD 0.02817 and 0.03012; ESP Exome Variant Server 0.03203; TOPMed 0.03225; 1000 Genomes Project 0.03235; 1000 Genomes Project 30x 0.03560.
gnomAD v4.1: 9,024 of 1,606,984 alleles (0.56%); highest among the groups gnomAD compares: African/African-American, 10%; 367 homozygotes.

Submissions (3):

Labcorp Genetics (formerly Invitae), Labcorp
Classification: Benign. Last evaluated: 2019-12-31. Review status: criteria provided, single submitter. Criteria: Invitae Variant Classification Sherloc (09022015). Collection method: clinical testing. Allele origin: germline.

Breakthrough Genomics
Classification: Benign. Review status: criteria provided, single submitter. Criteria: ACMG Guidelines, 2015. Collection method: not provided. Allele origin: germline. Inheritance: Autosomal recessive inheritance. Affected: yes.

PreventionGenetics, part of Exact Sciences
Classification: Benign for NCAPG2-related condition. Last evaluated: 2019-06-07. Review status: no assertion criteria provided. Collection method: clinical testing. Allele origin: germline. Not counted in ClinVar's aggregate classification.
Comment: This variant is classified as benign based on ACMG/AMP sequence variant interpretation guidelines (Richards et al. 2015 PMID: 25741868, with internal and published modifications).